The following is an entry in ClinVar:

NM_000135.4(FANCA):c.1754C>T (p.Pro585Leu)

Gene: FANCA (FA complementation group A; minus strand). Cytogenetic location: 16q24.3.
Variant type: single nucleotide variant.
Coding change: c.1754C>T on transcript NM_000135.4 (MANE Select); coding-DNA position 1754, C replaced by T.
Protein change: p.Pro585Leu; replaces proline 585 with leucine.
Molecular consequence: missense variant.
Genome position (GRCh38, 1-based): chr16:89,778,965, G>A on the plus strand (C>T on the coding strand, the complement: FANCA is on the minus strand). VCF-style: chr16-89778965-G-A. GRCh37 (hg19) VCF-style: chr16-89845373-G-A.
Other names: c.1754C>T, p.Pro585Leu (NM_001286167.3); short protein forms P585L.
Identifiers: ClinVar variation 4254311 (VCV004254311.1).
Genomic context (GRCh38, chr16:89,778,965, plus strand): 5'-ACACAACTGGTCACAAACTCATGGAGACGCATACTGACCACTCGAGGTGTGAGCAGGGCG[G>A]GGAGGAAGTGGGACACGTAGTAAGGCCTCCTGAATATGCTGCAACACAGAGAAGCAGACA-3'
Protein context (NP_000126.2, residues 575-595): RRPYYVSHFL[Pro585Leu]ALLTPRVLPK

ClinVar aggregate classification (germline): Uncertain significance (1 of 4 stars; one submission).

Conditions:
Inborn genetic diseases. Identifiers: MedGen C0950123, MeSH D030342.

gnomAD v4.1: 1 of 1,614,088 alleles (0.000062%); highest among the groups gnomAD compares: Admixed American, 0.0017%; no homozygotes.

Submission:

Ambry Genetics
Classification: Uncertain significance for Inborn genetic diseases. Last evaluated: 2025-08-22. Review status: criteria provided, single submitter. Criteria: Ambry Variant Classification Scheme 2023. Collection method: clinical testing. Allele origin: germline.
Comment: The p.P585L variant (also known as c.1754C>T), located in coding exon 19 of the FANCA gene, results from a C to T substitution at nucleotide position 1754. The proline at codon 585 is replaced by leucine, an amino acid with similar properties. This amino acid position is conserved. In addition, this alteration is predicted to be deleterious by in silico analysis. Based on the available evidence, the clinical significance of this variant remains unclear.